The following is an entry in ClinVar:

ClinVar aggregate classification (germline): Uncertain significance (1 of 4 stars; one submission).

Conditions:
Inborn genetic diseases. Identifiers: MedGen C0950123, MeSH D030342.

Submission:

Ambry Genetics
Classification: Uncertain significance for Inborn genetic diseases. Last evaluated: 2023-12-29. Review status: criteria provided, single submitter. Criteria: Ambry Variant Classification Scheme 2023. Collection method: clinical testing. Allele origin: germline.
Comment: The p.F340L variant (also known as c.1020C>A), located in coding exon 8 of the BUB1B gene, results from a C to A substitution at nucleotide position 1020. The phenylalanine at codon 340 is replaced by leucine, an amino acid with highly similar properties. This amino acid position is conserved. In addition, this alteration is predicted to be tolerated by in silico analysis. Since supporting evidence is limited at this time, the clinical significance of this alteration remains unclear.

NM_001211.6(BUB1B):c.1020C>A (p.Phe340Leu)

Gene: BUB1B (BUB1 mitotic checkpoint serine/threonine kinase B; plus strand). Cytogenetic location: 15q15.1.
Variant type: single nucleotide variant.
Coding change: c.1020C>A on transcript NM_001211.6 (MANE Select); coding-DNA position 1020, C replaced by A.
Protein change: p.Phe340Leu; replaces phenylalanine 340 with leucine.
Molecular consequence: missense variant.
Genome position (GRCh38, 1-based): chr15:40,185,604, C>A. VCF-style: chr15-40185604-C-A. GRCh37 (hg19) VCF-style: chr15-40477805-C-A.
Other names: short protein forms F340L.
Identifiers: ClinVar variation 3221322 (VCV003221322.1), dbSNP rs2542536308, ClinGen allele CA391685208.
Genomic context (GRCh38, chr15:40,185,604, plus strand): 5'-TCTCCAGCCTCGTGGCAATACAGCTTCACTGATAGCTGTACCCGCTGTGCTTCCCAGTTT[C>A]ACTCCATATGTGGAAGAGACTGCACGACAGCCAGTTATGTGAGTGTGGTTTTTGGATATT-3'
Protein context (NP_001202.5, residues 330-350): LIAVPAVLPS[Phe340Leu]TPYVEETARQ